The following is an entry in ClinVar:

ClinVar aggregate classification (germline): Uncertain significance. Review status: criteria provided, multiple submitters, no conflicts (2 of 4 stars). 2 submissions from 2 submitters: Uncertain significance (2). Last evaluated 2025-09-22.

Conditions:
Hereditary hyperekplexia. Identifiers: Orphanet 3197, MedGen C4084968, MONDO:0021022.

Allele frequency attached by ClinVar (database versions not stated): gnomAD exomes below 0.00001; ExAC 0.00001.
gnomAD v4.1: 2 of 1,613,926 alleles (0.00012%); highest among the groups gnomAD compares: East Asian, 0.0022%; no homozygotes.

Submissions (2):

Labcorp Genetics (formerly Invitae), Labcorp
Classification: Uncertain significance for Hereditary hyperekplexia. Last evaluated: 2025-09-22. Review status: criteria provided, single submitter. Criteria: Invitae Variant Classification Sherloc (09022015). Collection method: clinical testing. Allele origin: germline.
Comment: This sequence change replaces aspartic acid, which is acidic and polar, with valine, which is neutral and non-polar, at codon 193 of the GLRA1 protein (p.Asp193Val). This variant is present in population databases (rs746507373, gnomAD 0.006%). This missense change has been observed in individual(s) with clinical features of autosomal recessive hyperekplexia (internal data). In at least one individual the data is consistent with being in trans (on the opposite chromosome) from a pathogenic variant. ClinVar contains an entry for this variant (Variation ID: 2574984). Invitae Evidence Modeling of protein sequence and biophysical properties (such as structural, functional, and spatial information, amino acid conservation, physicochemical variation, residue mobility, and thermodynamic stability) indicates that this missense variant is not expected to disrupt GLRA1 protein function with a negative predictive value of 80%. In summary, the available evidence is currently insufficient to determine the role of this variant in disease. Therefore, it has been classified as a Variant of Uncertain Significance.

GeneDx
Classification: Uncertain significance. Last evaluated: 2023-02-01. Review status: criteria provided, single submitter. Criteria: GeneDx Variant Classification Process June 2021. Collection method: clinical testing. Allele origin: germline. Affected: yes.
Comment: In silico analysis supports that this missense variant has a deleterious effect on protein structure/function; Has not been previously published as pathogenic or benign to our knowledge; This variant is associated with the following publications: (PMID: 20631190)

NM_000171.4(GLRA1):c.578A>T (p.Asp193Val)

Gene: GLRA1 (glycine receptor alpha 1; minus strand). Cytogenetic location: 5q33.1.
Variant type: single nucleotide variant.
Coding change: c.578A>T on transcript NM_000171.4 (MANE Select); coding-DNA position 578, A replaced by T.
Protein change: p.Asp193Val; replaces aspartic acid 193 with valine.
Molecular consequence: missense variant.
Genome position (GRCh38, 1-based): chr5:151,855,159, T>A on the plus strand (A>T on the coding strand, the complement: GLRA1 is on the minus strand). VCF-style: chr5-151855159-T-A. GRCh37 (hg19) VCF-style: chr5-151234720-T-A.
Other names: c.578A>T, p.Asp193Val (NM_001146040.2); c.329A>T, p.Asp110Val (NM_001292000.2); short protein forms D110V, D193V.
Identifiers: ClinVar variation 2574984 (VCV002574984.4), dbSNP rs746507373, ClinGen allele CA3523644.